The following is an entry in ClinVar:

ClinVar aggregate classification (germline): Pathogenic (1 of 4 stars; one submission).

Conditions:
Junctional epidermolysis bullosa. Identifiers: Orphanet 305, MedGen C0079301, MONDO:0017612.

Submission:

Myriad Genetics, Inc.
Classification: Pathogenic for Junctional epidermolysis bullosa. Last evaluated: 2024-12-15. Review status: criteria provided, single submitter. Criteria: Myriad Autosomal Dominant, Autosomal Recessive and X-Linked Classification Criteria (2023). Collection method: clinical testing. Allele origin: unknown.
Comment: NM_000228.2(LAMB3):c.1483delC(Q495Sfs*15) is expected to be pathogenic in the context of junctional epidermolysis bullosa, LAMB3-related. This variant is predicted to lead to an abnormal or absent protein product due to the creation of a premature termination codon in LAMB3, a gene where loss-of-function variants are known to be pathogenic. Please note: this variant was assessed in the context of healthy population screening.

NM_000228.3(LAMB3):c.1483del (p.Gln495fs)

Gene: LAMB3 (laminin subunit beta 3; minus strand). Cytogenetic location: 1q32.2.
Variant type: Deletion.
Coding change: c.1483del on transcript NM_000228.3 (MANE Select); coding-DNA position 1483, one base deleted (C; older notation c.1483delC).
Protein change: p.Gln495fs; shifts the reading frame from glutamine 495.
Molecular consequence: frameshift variant.
Genome position (GRCh38, 1-based): chr1:209,627,385, G deleted on the plus strand (C on the coding strand, the reverse complement: LAMB3 is on the minus strand); the first of 2 consecutive G bases (chr1:209,627,385-209,627,386); deleting either gives the same sequence. VCF-style (leftmost placement, unchanged base first): chr1-209627384-TG-T. GRCh37 (hg19) VCF-style: chr1-209800729-TG-T.
Other names: c.1483del, p.Gln495fs (NM_001017402.2, NM_001127641.1); short protein forms Q495fs.
Identifiers: ClinVar variation 5015362 (VCV005015362.1).